The following is an entry in ClinVar:

ClinVar aggregate classification (germline): Uncertain significance (1 of 4 stars; one submission).

Conditions:
Congenital heart defects, dysmorphic facial features, and intellectual developmental disorder (CHDFIDD). Identifiers: Orphanet 646278, MedGen C4479246, MONDO:0044302, OMIM 617360.

Allele frequency attached by ClinVar (database versions not stated): gnomAD 0.00001; gnomAD exomes 0.00001; TOPMed 0.00002.
gnomAD v4.1: 9 of 1,535,252 alleles (0.00059%); highest among the groups gnomAD compares: East Asian, 0.0026%; no homozygotes.

Submission:

Baylor Genetics
Classification: Uncertain significance for Congenital heart defects, dysmorphic facial features, and intellectual developmental disorder. Last evaluated: 2020-01-22. Review status: criteria provided, single submitter. Criteria: ACMG Guidelines, 2015. Collection method: clinical testing. Allele origin: unknown. Affected: yes.
Comment: This variant was determined to be of uncertain significance according to ACMG Guidelines, 2015 [PMID:25741868].

NM_003718.5(CDK13):c.875C>T (p.Ala292Val)

Gene: CDK13 (cyclin dependent kinase 13; plus strand). Cytogenetic location: 7p14.1.
Variant type: single nucleotide variant.
Coding change: c.875C>T on transcript NM_003718.5 (MANE Select); coding-DNA position 875, C replaced by T.
Protein change: p.Ala292Val; replaces alanine 292 with valine.
Molecular consequence: missense variant.
Genome position (GRCh38, 1-based): chr7:39,951,516, C>T. VCF-style: chr7-39951516-C-T. GRCh37 (hg19) VCF-style: chr7-39991115-C-T.
Other names: c.875C>T, p.Ala292Val (NM_031267.4); short protein forms A292V.
Identifiers: ClinVar variation 1028151 (VCV001028151.1), dbSNP rs1412678396, ClinGen allele CA367310706.